The following is an entry in ClinVar:

ClinVar aggregate classification (germline): Uncertain significance (1 of 4 stars; one submission).

Submission:

Labcorp Genetics (formerly Invitae), Labcorp
Classification: Uncertain significance. Last evaluated: 2024-03-08. Review status: criteria provided, single submitter. Criteria: Invitae Variant Classification Sherloc (09022015). Collection method: clinical testing. Allele origin: germline.
Comment: This sequence change replaces isoleucine, which is neutral and non-polar, with methionine, which is neutral and non-polar, at codon 101 of the SRP72 protein (p.Ile101Met). This variant is not present in population databases (gnomAD no frequency). This variant has not been reported in the literature in individuals affected with SRP72-related conditions. Advanced modeling of protein sequence and biophysical properties (such as structural, functional, and spatial information, amino acid conservation, physicochemical variation, residue mobility, and thermodynamic stability) performed at Invitae indicates that this missense variant is expected to disrupt SRP72 protein function with a positive predictive value of 80%. In summary, the available evidence is currently insufficient to determine the role of this variant in disease. Therefore, it has been classified as a Variant of Uncertain Significance.

NM_006947.4(SRP72):c.303A>G (p.Ile101Met)

Gene: SRP72 (signal recognition particle 72; plus strand). Cytogenetic location: 4q12.
Variant type: single nucleotide variant.
Coding change: c.303A>G on transcript NM_006947.4 (MANE Select); coding-DNA position 303, A replaced by G.
Protein change: p.Ile101Met; replaces isoleucine 101 with methionine.
Molecular consequence: missense variant. On other transcripts: non-coding transcript variant (1).
Genome position (GRCh38, 1-based): chr4:56,471,792, A>G. VCF-style: chr4-56471792-A-G. GRCh37 (hg19) VCF-style: chr4-57337958-A-G.
Other names: c.303A>G, p.Ile101Met (NM_001267722.2); short protein forms I101M.
Identifiers: ClinVar variation 2724115 (VCV002724115.3), dbSNP rs2545746925, ClinGen allele CA356996172.